The following is an entry in ClinVar:

NM_015474.4(SAMHD1):c.1688A>G (p.Tyr563Cys)

Gene: SAMHD1 (SAM and HD domain containing deoxynucleoside triphosphate triphosphohydrolase 1; minus strand). Cytogenetic location: 20q11.23.
Variant type: single nucleotide variant.
Coding change: c.1688A>G on transcript NM_015474.4 (MANE Select); coding-DNA position 1688, A replaced by G.
Protein change: p.Tyr563Cys; replaces tyrosine 563 with cysteine.
Molecular consequence: missense variant.
Genome position (GRCh38, 1-based): chr20:36,897,880, T>C on the plus strand (A>G on the coding strand, the complement: SAMHD1 is on the minus strand). VCF-style: chr20-36897880-T-C. GRCh37 (hg19) VCF-style: chr20-35526283-T-C.
Other names: c.1583A>G, p.Tyr528Cys (NM_001363729.2); c.1688A>G, p.Tyr563Cys (NM_001363733.2); short protein forms Y528C, Y563C.
Identifiers: ClinVar variation 1469587 (VCV001469587.3), dbSNP rs6130037, ClinGen allele CA9844441.
Genomic context (GRCh38, chr20:36,897,880, plus strand): 5'-ACCTGCGGCTTGGTGAAATTTCTGTCTGCACACCACTGAACAAAATATTGTCTTGCGGCA[T>C]ACAAACTCTTTCTGTCCACCTTCTTACAATATACTCGAATCAGCTGCTCTGCAAATTTCT-3'
Protein context (NP_056289.2, residues 553-573): YCKKVDRKSL[Tyr563Cys]AARQYFVQWC

ClinVar aggregate classification (germline): Uncertain significance (1 of 4 stars; one submission).

Conditions:
Aicardi-Goutieres syndrome 5. Identifiers: Orphanet 51, MedGen C2749659, MONDO:0013059, OMIM 612952.

Allele frequency attached by ClinVar (database versions not stated): gnomAD 0.00001; gnomAD exomes 0.00001 and 0.00002; ExAC 0.00002; TOPMed 0.00002.
gnomAD v4.1: 11 of 1,614,140 alleles (0.00068%); highest among the groups gnomAD compares: East Asian, 0.022%; no homozygotes.

Submission:

Labcorp Genetics (formerly Invitae), Labcorp
Classification: Uncertain significance for Aicardi-Goutieres syndrome 5. Last evaluated: 2022-09-27. Review status: criteria provided, single submitter. Criteria: Invitae Variant Classification Sherloc (09022015). Collection method: clinical testing. Allele origin: germline.
Comment: This sequence change replaces tyrosine, which is neutral and polar, with cysteine, which is neutral and slightly polar, at codon 563 of the SAMHD1 protein (p.Tyr563Cys). This variant is present in population databases (rs6130037, gnomAD 0.03%). This variant has not been reported in the literature in individuals affected with SAMHD1-related conditions. ClinVar contains an entry for this variant (Variation ID: 1469587). Advanced modeling of protein sequence and biophysical properties (such as structural, functional, and spatial information, amino acid conservation, physicochemical variation, residue mobility, and thermodynamic stability) performed at Invitae indicates that this missense variant is not expected to disrupt SAMHD1 protein function. In summary, the available evidence is currently insufficient to determine the role of this variant in disease. Therefore, it has been classified as a Variant of Uncertain Significance.